The following is an entry in ClinVar:

ClinVar aggregate classification (germline): Uncertain significance. Review status: criteria provided, multiple submitters, no conflicts (2 of 4 stars). 2 submissions from 2 submitters: Uncertain significance (2). Last evaluated 2025-01-05.

Conditions:
Hereditary sensory and autonomic neuropathy type 7. Also called: Neuropathy, hereditary sensory and autonomic, type VII; HSAN VII. Identifiers: Orphanet 391397, MedGen C3809882, MONDO:0014244, OMIM 615548.
Familial episodic pain syndrome with predominantly lower limb involvement. Also called: Episodic pain syndrome, familial, 3. Identifiers: Orphanet 391384, Orphanet 391392, MedGen C3809899, MONDO:0014247, OMIM 615552.

Allele frequency attached by ClinVar (database versions not stated): gnomAD exomes below 0.00001.

Submissions (2):

Labcorp Genetics (formerly Invitae), Labcorp
Classification: Uncertain significance for Familial episodic pain syndrome with predominantly lower limb involvement; Hereditary sensory and autonomic neuropathy type 7. Last evaluated: 2025-01-05. Review status: criteria provided, single submitter. Criteria: Invitae Variant Classification Sherloc (09022015). Collection method: clinical testing. Allele origin: germline.
Comment: This sequence change creates a premature translational stop signal (p.Asp986Metfs*67) in the SCN11A gene. It is expected to result in an absent or disrupted protein product. However, the current clinical and genetic evidence is not sufficient to establish whether loss-of-function variants in SCN11A cause disease. This variant is not present in population databases (gnomAD no frequency). This variant has not been reported in the literature in individuals affected with SCN11A-related conditions. ClinVar contains an entry for this variant (Variation ID: 2923536). In summary, the available evidence is currently insufficient to determine the role of this variant in disease. Therefore, it has been classified as a Variant of Uncertain Significance.

GeneDx
Classification: Uncertain significance. Last evaluated: 2023-05-23. Review status: criteria provided, single submitter. Criteria: GeneDx Variant Classification Process June 2021. Collection method: clinical testing. Allele origin: germline. Affected: yes.
Comment: Frameshift variant predicted to result in protein truncation or nonsense mediated decay in a gene for which loss of function is not a known mechanism of disease; Not observed at significant frequency in large population cohorts (gnomAD); Has not been previously published as pathogenic or benign to our knowledge

NM_001349253.2(SCN11A):c.2956del (p.Asp986fs)

Gene: SCN11A (sodium voltage-gated channel alpha subunit 11; minus strand). Cytogenetic location: 3p22.2.
Variant type: Deletion.
Coding change: c.2956del on transcript NM_001349253.2 (MANE Select); coding-DNA position 2956, one base deleted (G; older notation c.2956delG).
Protein change: p.Asp986fs; shifts the reading frame from aspartic acid 986.
Molecular consequence: frameshift variant.
Genome position (GRCh38, 1-based): chr3:38,885,396, C deleted on the plus strand (G on the coding strand, the reverse complement: SCN11A is on the minus strand). VCF-style (leftmost placement, unchanged base first): chr3-38885395-TC-T. GRCh37 (hg19) VCF-style: chr3-38926886-TC-T.
Other names: c.2956del (NM_014139.2); c.2956del, p.Asp986fs (NM_014139.3); short protein forms D986fs.
Identifiers: ClinVar variation 2923536 (VCV002923536.4), dbSNP rs2470541955, ClinGen allele CA2665126878.